The following is an entry in ClinVar:

NM_002458.3(MUC5B):c.9987G>T (p.Thr3329=)

Genes: MUC5B (mucin 5B, oligomeric mucus/gel-forming; plus strand), MUC5B-AS1 (MUC5B antisense RNA 1; minus strand). Cytogenetic location: 11p15.5.
Variant type: single nucleotide variant.
Coding change: c.9987G>T on transcript NM_002458.3 (MANE Select); coding-DNA position 9987, G replaced by T.
Protein change: p.Thr3329=; no amino-acid change (threonine 3329 retained).
Molecular consequence: synonymous variant.
Genome position (GRCh38, 1-based): chr11:1,246,867, G>T. VCF-style: chr11-1246867-G-T. GRCh37 (hg19) VCF-style: chr11-1268097-G-T.
Identifiers: ClinVar variation 4821725 (VCV004821725.4).

ClinVar aggregate classification (germline): Likely benign (1 of 4 stars; one submission).

Submission:

CeGaT Center for Human Genetics Tuebingen
Classification: Likely benign. Last evaluated: 2026-01-01. Review status: criteria provided, single submitter. Criteria: CeGaT Center For Human Genetics Tuebingen Variant Classification Criteria Version 2. Collection method: clinical testing. Allele origin: germline. Affected: yes. Observed: 1 variant allele.
Comment: MUC5B: BP4, BP7